The following is an entry in ClinVar:

ClinVar aggregate classification (germline): Likely pathogenic (1 of 4 stars; one submission).

Conditions:
Autism spectrum disorder due to AUTS2 deficiency (MRD26). Also called: INTELLECTUAL DEVELOPMENTAL DISORDER, AUTOSOMAL DOMINANT 26. Identifiers: Orphanet 352490, MedGen C4014435, MONDO:0014361, OMIM 615834.

Submission:

Department of Genetic and Genomic Medicine, National Cheng Kung University Hospital
Classification: Likely pathogenic for Autism spectrum disorder due to AUTS2 deficiency. Last evaluated: 2026-04-28. Review status: criteria provided, single submitter. Criteria: ACMG Guidelines, 2015. Collection method: clinical testing. Allele origin: de novo. Affected: yes.
Comment: The copy-neutral inversion was interpreted using relevant ACMG/AMP 2015 sequence-variant criteria applied to the breakpoint-defined gene disruption. The proximal breakpoint of this inversion truncates AUTS2 in intron 2 and is predicted to result in loss-of-function. Criteria applied: PVS1 (predicted LoF in an established haploinsufficient gene; AUTS2 ClinGen Dosage Sensitivity haploinsufficiency score 3, sufficient evidence for autosomal-dominant haploinsufficiency) + PM6 (de novo origin inferred from parental karyotyping rather than confirmed at base-pair resolution). Per the ACMG/AMP combinatorial rules, 1 Very Strong (PVS1) + 1 Moderate (PM6) meets the criteria for Likely pathogenic.

Literature cited by the submitters: PubMed 39953909.

NC_000007.14:g.69938691_95720897inv

Genes: ABCB1 (ATP binding cassette subfamily B member 1; minus strand), ABCB4 (ATP binding cassette subfamily B member 4; minus strand), ABHD11 (abhydrolase domain containing 11; minus strand), ABHD11-AS1 (ABHD11 antisense RNA 1 (tail to tail); plus strand), ADAM22 (ADAM metallopeptidase domain 22; plus strand) and 609 more. Cytogenetic location: 7q11.22-21.3.
Variant type: Inversion.
Identifiers: ClinVar variation 4845658 (VCV004845658.1).